The following is an entry in ClinVar:

ClinVar aggregate classification (germline): Uncertain significance (1 of 4 stars; one submission).

Submission:

Ambry Genetics
Classification: Uncertain significance. Last evaluated: 2021-10-21. Review status: criteria provided, single submitter. Criteria: Ambry Variant Classification Scheme 2023. Collection method: clinical testing. Allele origin: germline.
Comment: The p.M3173I variant (also known as c.9519G>A), located in coding exon 68 of the PRKDC gene, results from a G to A substitution at nucleotide position 9519. The methionine at codon 3173 is replaced by isoleucine, an amino acid with highly similar properties. This amino acid position is conserved. In addition, this alteration is predicted to be tolerated by in silico analysis. Since supporting evidence is limited at this time, the clinical significance of this alteration remains unclear.

NM_006904.7(PRKDC):c.9519G>A (p.Met3173Ile)

Gene: PRKDC (protein kinase, DNA-activated, catalytic subunit; minus strand). Cytogenetic location: 8q11.21.
Variant type: single nucleotide variant.
Coding change: c.9519G>A on transcript NM_006904.7 (MANE Select); coding-DNA position 9519, G replaced by A.
Protein change: p.Met3173Ile; replaces methionine 3173 with isoleucine.
Molecular consequence: missense variant.
Genome position (GRCh38, 1-based): chr8:47,817,488, C>T on the plus strand (G>A on the coding strand, the complement: PRKDC is on the minus strand). VCF-style: chr8-47817488-C-T. GRCh37 (hg19) VCF-style: chr8-48730049-C-T.
Other names: c.9519G>A, p.Met3173Ile (NM_001081640.2); short protein forms M3173I.
Identifiers: ClinVar variation 1767237 (VCV001767237.2), dbSNP rs2551864888, ClinGen allele CA371137061.